The following is an entry in ClinVar:

ClinVar aggregate classification (germline): Likely benign (0 of 4 stars; one submission).

Conditions:
VEGFC-related disorder. Also called: VEGFC-related condition.

Allele frequency attached by ClinVar (database versions not stated): gnomAD exomes 0.00003; TOPMed 0.00006; gnomAD 0.00007; ExAC 0.00014; 1000 Genomes Project 30x 0.00125; 1000 Genomes Project 0.00140.
gnomAD v4.1: 98 of 1,561,842 alleles (0.0063%); highest among the groups gnomAD compares: East Asian, 0.059%; 2 homozygotes.

Submission:

PreventionGenetics, part of Exact Sciences
Classification: Likely benign for VEGFC-related condition. Last evaluated: 2019-05-24. Review status: no assertion criteria provided. Collection method: clinical testing. Allele origin: germline.
Comment: This variant is classified as likely benign based on ACMG/AMP sequence variant interpretation guidelines (Richards et al. 2015 PMID: 25741868, with internal and published modifications).

NM_005429.5(VEGFC):c.148-10T>C

Gene: VEGFC (vascular endothelial growth factor C; minus strand). Cytogenetic location: 4q34.3.
Variant type: single nucleotide variant.
Coding change: c.148-10T>C on transcript NM_005429.5 (MANE Select); 10 bases into the intron before coding-DNA position 148, T replaced by C.
Molecular consequence: intron variant.
Genome position (GRCh38, 1-based): chr4:176,729,756, A>G on the plus strand (T>C on the coding strand, the complement: VEGFC is on the minus strand). VCF-style: chr4-176729756-A-G. GRCh37 (hg19) VCF-style: chr4-177650910-A-G.
Identifiers: ClinVar variation 3043806 (VCV003043806.2), dbSNP rs375440489, ClinGen allele CA3145992.
Genomic context (GRCh38, chr4:176,729,756, plus strand): 5'-TACACTGGACACAGACCGTAACTGCTCCTCCAGATCTTTGCTTGCATAAGCCTGTCAAAG[A>G]AAAATGCAAGATCAATGACTTACCAGCTTAAGGGATTTAGAAACAAATGCACTATAAAAC-3'